The following is an entry in ClinVar:

NM_152703.5(SAMD9L):c.686T>G (p.Met229Arg)

Gene: SAMD9L (sterile alpha motif domain containing 9 like; minus strand). Cytogenetic location: 7q21.2.
Variant type: single nucleotide variant.
Coding change: c.686T>G on transcript NM_152703.5 (MANE Select); coding-DNA position 686, T replaced by G.
Protein change: p.Met229Arg; replaces methionine 229 with arginine.
Molecular consequence: missense variant.
Genome position (GRCh38, 1-based): chr7:93,135,286, A>C on the plus strand (T>G on the coding strand, the complement: SAMD9L is on the minus strand). VCF-style: chr7-93135286-A-C. GRCh37 (hg19) VCF-style: chr7-92764599-A-C.
Other names: c.686T>G, p.Met229Arg (NM_001303496.3, NM_001303497.3, NM_001303498.3 and 5 more transcripts); short protein forms M229R.
Identifiers: ClinVar variation 5028912 (VCV005028912.1).

ClinVar aggregate classification (germline): Uncertain significance (1 of 4 stars; one submission).

Conditions:
Inborn genetic diseases. Identifiers: MedGen C0950123, MeSH D030342.

Submission:

Ambry Genetics
Classification: Uncertain significance for Inborn genetic diseases. Last evaluated: 2026-07-25. Review status: criteria provided, single submitter. Criteria: Ambry Variant Classification Scheme 2023. Collection method: clinical testing. Allele origin: germline.
Comment: The p.M229R variant (also known as c.686T>G), located in coding exon 1 of the SAMD9L gene, results from a T to G substitution at nucleotide position 686. The methionine at codon 229 is replaced by arginine, an amino acid with similar properties. This amino acid position is conserved. In addition, the in silico prediction for this alteration is inconclusive. Based on the available evidence, the clinical significance of this variant remains unclear.